The following is an entry in ClinVar:

ClinVar aggregate classification (germline): Uncertain significance (1 of 4 stars; one submission).

Conditions:
Developmental and epileptic encephalopathy, 34 (DEE34). Also called: Early infantile epileptic encephalopathy 34; SLC12A5-Related Epilepsy of Infancy with Migrating Focal Seizures. Identifiers: Orphanet 293181, MedGen C4225257, MONDO:0014718, OMIM 616645.

Allele frequency attached by ClinVar (database versions not stated): gnomAD exomes below 0.00001; ExAC 0.00001.
gnomAD v4.1: 1 of 1,614,140 alleles (0.000062%); highest among the groups gnomAD compares: Non-Finnish European, 0.000085%; no homozygotes.

Submission:

Labcorp Genetics (formerly Invitae), Labcorp
Classification: Uncertain significance for Developmental and epileptic encephalopathy, 34. Last evaluated: 2022-08-16. Review status: criteria provided, single submitter. Criteria: Invitae Variant Classification Sherloc (09022015). Collection method: clinical testing. Allele origin: germline.
Comment: This sequence change replaces arginine, which is basic and polar, with histidine, which is basic and polar, at codon 420 of the SLC12A5 protein (p.Arg420His). This variant is present in population databases (rs757586510, gnomAD 0.0009%). This variant has not been reported in the literature in individuals affected with SLC12A5-related conditions. ClinVar contains an entry for this variant (Variation ID: 1399298). Advanced modeling of protein sequence and biophysical properties (such as structural, functional, and spatial information, amino acid conservation, physicochemical variation, residue mobility, and thermodynamic stability) performed at Invitae indicates that this missense variant is expected to disrupt SLC12A5 protein function. In summary, the available evidence is currently insufficient to determine the role of this variant in disease. Therefore, it has been classified as a Variant of Uncertain Significance.

NM_020708.5(SLC12A5):c.1259G>A (p.Arg420His)

Gene: SLC12A5 (solute carrier family 12 member 5; plus strand). Cytogenetic location: 20q13.12.
Variant type: single nucleotide variant.
Coding change: c.1259G>A on transcript NM_020708.5 (MANE Select); coding-DNA position 1259, G replaced by A.
Protein change: p.Arg420His; replaces arginine 420 with histidine.
Molecular consequence: missense variant.
Genome position (GRCh38, 1-based): chr20:46,043,654, G>A. VCF-style: chr20-46043654-G-A. GRCh37 (hg19) VCF-style: chr20-44672293-G-A.
Other names: c.1328G>A, p.Arg443His (NM_001134771.2); short protein forms R420H, R443H.
Identifiers: ClinVar variation 1399298 (VCV001399298.6), dbSNP rs757586510, ClinGen allele CA9887287.